The following is an entry in ClinVar:

NM_001375524.1(TRRAP):c.6368G>C (p.Gly2123Ala)

Gene: TRRAP (transformation/transcription domain associated protein; plus strand). Cytogenetic location: 7q22.1.
Variant type: single nucleotide variant.
Coding change: c.6368G>C on transcript NM_001375524.1 (MANE Select); coding-DNA position 6368, G replaced by C.
Protein change: p.Gly2123Ala; replaces glycine 2123 with alanine.
Molecular consequence: missense variant.
Genome position (GRCh38, 1-based): chr7:98,959,369, G>C. VCF-style: chr7-98959369-G-C. GRCh37 (hg19) VCF-style: chr7-98556992-G-C.
Other names: c.6347G>C, p.Gly2116Ala (NM_001244580.2); c.6293G>C, p.Gly2098Ala (NM_003496.4); short protein forms G2098A, G2116A, G2123A.
Identifiers: ClinVar variation 3604620 (VCV003604620.2).

ClinVar aggregate classification (germline): Uncertain significance (1 of 4 stars; one submission).

gnomAD v4.1: 2 of 1,614,042 alleles (0.00012%); highest among the groups gnomAD compares: Non-Finnish European, 0.000085%; no homozygotes.

Submission:

Labcorp Genetics (formerly Invitae), Labcorp
Classification: Uncertain significance. Last evaluated: 2024-08-13. Review status: criteria provided, single submitter. Criteria: Invitae Variant Classification Sherloc (09022015). Collection method: clinical testing. Allele origin: germline.
Comment: This sequence change replaces glycine, which is neutral and non-polar, with alanine, which is neutral and non-polar, at codon 2098 of the TRRAP protein (p.Gly2098Ala). This variant is not present in population databases (gnomAD no frequency). This variant has not been reported in the literature in individuals affected with TRRAP-related conditions. Invitae Evidence Modeling of protein sequence and biophysical properties (such as structural, functional, and spatial information, amino acid conservation, physicochemical variation, residue mobility, and thermodynamic stability) indicates that this missense variant is not expected to disrupt TRRAP protein function with a negative predictive value of 80%. In summary, the available evidence is currently insufficient to determine the role of this variant in disease. Therefore, it has been classified as a Variant of Uncertain Significance.